The following is an entry in ClinVar:

NM_000843.4(GRM6):c.1462C>T (p.Gln488Ter)

Genes: GRM6 (glutamate metabotropic receptor 6; minus strand), ZNF454 (zinc finger protein 454; plus strand). Cytogenetic location: 5q35.3.
Variant type: single nucleotide variant.
Coding change: c.1462C>T on transcript NM_000843.4 (MANE Select); coding-DNA position 1462, C replaced by T.
Protein change: p.Gln488Ter; replaces glutamine 488 with a stop codon.
Molecular consequence: nonsense.
Genome position (GRCh38, 1-based): chr5:178,986,876, G>A on the plus strand (C>T on the coding strand, the complement: GRM6 is on the minus strand). VCF-style: chr5-178986876-G-A. GRCh37 (hg19) VCF-style: chr5-178413877-G-A.
Other names: short protein forms Q488*.
Identifiers: ClinVar variation 198438 (VCV000198438.7), dbSNP rs748979061, ClinGen allele CA203439.

ClinVar aggregate classification (germline): Pathogenic. Review status: criteria provided, multiple submitters, no conflicts (2 of 4 stars). 2 submissions from 2 submitters: Pathogenic (2). Last evaluated 2024-06-30.

Allele frequency attached by ClinVar (database versions not stated): ExAC 0.00001; gnomAD 0.00001; gnomAD exomes 0.00001; TOPMed 0.00001.
gnomAD v4.1: 14 of 1,613,834 alleles (0.00087%); highest among the groups gnomAD compares: Non-Finnish European, 0.0012%; no homozygotes.

Submissions (2):

Labcorp Genetics (formerly Invitae), Labcorp
Classification: Pathogenic. Last evaluated: 2024-06-30. Review status: criteria provided, single submitter. Criteria: Invitae Variant Classification Sherloc (09022015). Collection method: clinical testing. Allele origin: germline.
Comment: This sequence change creates a premature translational stop signal (p.Gln488*) in the GRM6 gene. It is expected to result in an absent or disrupted protein product. Loss-of-function variants in GRM6 are known to be pathogenic (PMID: 15781871, 16622103, 22008250). This variant is present in population databases (rs748979061, gnomAD 0.003%). This variant has not been reported in the literature in individuals affected with GRM6-related conditions. ClinVar contains an entry for this variant (Variation ID: 198438). Algorithms developed to predict the effect of sequence changes on RNA splicing suggest that this variant may disrupt the consensus splice site. For these reasons, this variant has been classified as Pathogenic.

Eurofins Ntd Llc (ga)
Classification: Pathogenic. Last evaluated: 2015-01-20. Review status: criteria provided, single submitter. Criteria: EGL Classification Definitions 2015. Collection method: clinical testing. Allele origin: germline. Observed: 2 variant alleles, 2 heterozygotes.

Literature cited by the submitters: PubMed 15781871 (cited by Labcorp Genetics (formerly Invitae), Labcorp); PubMed 16622103 (cited by Labcorp Genetics (formerly Invitae), Labcorp); PubMed 22008250 (cited by Labcorp Genetics (formerly Invitae), Labcorp).